The following is an entry in ClinVar:

NM_000152.5(GAA):c.505C>A (p.Leu169Met)

Gene: GAA (alpha glucosidase; plus strand). Cytogenetic location: 17q25.3.
Variant type: single nucleotide variant.
Coding change: c.505C>A on transcript NM_000152.5 (MANE Select); coding-DNA position 505, C replaced by A.
Protein change: p.Leu169Met; replaces leucine 169 with methionine.
Molecular consequence: missense variant.
Genome position (GRCh38, 1-based): chr17:80,105,091, C>A. VCF-style: chr17-80105091-C-A. GRCh37 (hg19) VCF-style: chr17-78078890-C-A.
Other names: c.505C>A, p.Leu169Met (NM_001079804.3, NM_001406741.1, NM_001406742.1 and 1 more transcripts); short protein forms L169M.
Identifiers: ClinVar variation 4876566 (VCV004876566.1).

ClinVar aggregate classification (germline): Uncertain significance (1 of 4 stars; one submission).

Conditions:
Glycogen storage disease, type II (IOPD). Also called: Pompe Disease; CARDIOMEGALIA GLYCOGENICA DIFFUSA; GLYCOGENOSIS, GENERALIZED, CARDIAC FORM; GSD II; POMPE DISEASE, INFANTILE-ONSET; GLYCOGEN STORAGE DISEASE II, INFANTILE-ONSET. Identifiers: Orphanet 365, MedGen C0017921, MONDO:0009290, OMIM 232300.

Submission:

Genomenon, Inc
Classification: Uncertain significance for Glycogen storage disease, type II. Last evaluated: 2026-07-01. Review status: criteria provided, single submitter. Criteria: Genomenon Sequence Variant Interpretation Standards - Updated. Collection method: curation. Allele origin: germline. Affected: yes.
Comment: GAA p.Leu169Met (c.505C>A) is a missense variant that changes the amino acid at codon 169 from Leucine to Methionine. This variant has been observed in at least one proband with a GAA-related disorder (PMID:31606152). It is absent or not present at a significant frequency in gnomAD. In conclusion, we classify GAA p.Leu169Met (c.505C>A) as a variant of uncertain significance.

Literature cited by the submitters: PubMed 31606152.